The following is an entry in ClinVar:

NM_001348716.2(KDM6B):c.4271_4273del (p.Phe1424del)

Genes: KDM6B (lysine demethylase 6B; plus strand), LOC121587574 (Sharpr-MPRA regulatory region 3930; plus strand). Cytogenetic location: 17p13.1.
Variant type: Deletion.
Coding change: c.4271_4273del on transcript NM_001348716.2 (MANE Select); coding-DNA positions 4271 to 4273, 3 bases deleted (TCT; older notation c.4271_4273delTCT).
Protein change: p.Phe1424del; deletes phenylalanine 1424.
Genome position (GRCh38, 1-based): chr17:7,852,056-7,852,058, TCT deleted; deleting any 3 consecutive bases within chr17:7,852,055-7,852,058 gives the same sequence; the c. name uses the placement nearest the transcript's 3' end. VCF-style (leftmost placement, unchanged base first): chr17-7852054-TTTC-T. GRCh37 (hg19) VCF-style: chr17-7755372-TTTC-T.
Other names: c.4271_4273del, p.Phe1424del (NM_001080424.2); short protein forms F1424del.
Identifiers: ClinVar variation 3384027 (VCV003384027.1).
Genomic context (GRCh38, chr17:7,852,054, plus strand): 5'-TGGCCCAGGCGACTGCGAGTGGTTCGCGGTGCACGAGCACTACTGGGAGACCATCAGCGC[TTTC>T]TGTGATCGGTGCGTGCCGTCCTGCGCAAGTCAGACTGCCGCGTCCCCGCCCTCGGTCCCC-3'

ClinVar aggregate classification (germline): Likely pathogenic (1 of 4 stars; one submission).

Conditions:
Neurodevelopmental disorder with coarse facies and mild distal skeletal abnormalities. Also called: STOLERMAN NEURODEVELOPMENTAL SYNDROME. Identifiers: MedGen C5193134, MONDO:0032790, OMIM 618505.

Submission:

Dubai Health Genomic Medicine Center, Dubai Health
Classification: Likely pathogenic for Neurodevelopmental disorder with coarse facies and mild distal skeletal abnormalities. Last evaluated: 2024-10-04. Review status: criteria provided, single submitter. Criteria: ACMG Guidelines, 2015. Collection method: research. Allele origin: germline. Affected: yes.
Comment: PM4,PM2,PM6